The following is an entry in ClinVar:

NM_000552.5(VWF):c.1309_1326del (p.Asp437_Arg442del)

Gene: VWF (von Willebrand factor; minus strand). Cytogenetic location: 12p13.31.
Variant type: Deletion.
Coding change: c.1309_1326del on transcript NM_000552.5 (MANE Select); coding-DNA positions 1309 to 1326, 18 bases deleted (GACGCTGTGTGCACCCGC).
Protein change: p.Asp437_Arg442del.
Molecular consequence: inframe deletion.
Genome position (GRCh38, 1-based): chr12:6,064,352-6,064,369, GCGGGTGCACACAGCGTC deleted on the plus strand (GACGCTGTGTGCACCCGC on the coding strand, the reverse complement: VWF is on the minus strand); deleting any 18 consecutive bases within chr12:6,064,352-6,064,373 gives the same sequence; the c. name uses the placement nearest the transcript's 3' end. VCF-style (leftmost placement, unchanged base first): chr12-6064351-AGCGGGTGCACACAGCGTC-A. GRCh37 (hg19) VCF-style: chr12-6173517-AGCGGGTGCACACAGCGTC-A.
Other names: c.1309_1326del (NM_000552.4); c.1309_1326del18 (NM_000552.4).
Identifiers: ClinVar variation 100179 (VCV000100179.4), dbSNP rs267607305, ClinGen allele CA228269.

ClinVar aggregate classification (germline): Pathogenic. Review status: criteria provided, single submitter (1 of 4 stars). 3 submissions from 3 submitters: Pathogenic (1). 2 of the submissions do not count toward it. Last evaluated 2020-11-17.

Conditions:
VWF-related disorder. Also called: VWF-related condition; VWF-related disorders.
Hereditary von Willebrand disease. Identifiers: Orphanet 903, MedGen C5703318, MONDO:0019565. Inheritance: Autosomal recessive or Autosomal dominant.

Submissions (3):

Genetics and Molecular Pathology, SA Pathology
Classification: Pathogenic for Hereditary von Willebrand disease. Last evaluated: 2020-11-17. Review status: criteria provided, single submitter. Criteria: ACMG Guidelines, 2015. Collection method: clinical testing. Allele origin: germline. Affected: yes.

PreventionGenetics, part of Exact Sciences
Classification: Likely pathogenic for VWF-related condition. Last evaluated: 2024-03-06. Review status: no assertion criteria provided. Collection method: clinical testing. Allele origin: germline. Not counted in ClinVar's aggregate classification.
Comment: The VWF c.1309_1326del18 variant is predicted to result in an in-frame deletion (p.Asp437_Arg442del). This variant results in the deletion of six highly conserved amino acids and a substitution of the p.Asp437 residue has also been reported in a patient with von Willebrand disease (Ahmad et al. 2013. PubMed ID: 23407766 ). The p.Asp437_Arg442del variant has been reported in an individual with von Willebrand disease type IIa subtype 2c (Gaucher et al. 1998. PubMed ID: 9714529; Michiels et al. 2009. PubMedID: 19506357). This variant has been shown to result in loss of multimerization and reduced platelet binding, while FVIII levels remain within normal limits (Haberichter et al. 2009. PubMed ID: 19192112). von Willebrand disease type IIa subtype 2C is characterized by autosomal recessive inheritance (Haberichter et al. 2009. PubMed ID: 19192112; Michiels et al. 2009. PubMedID: 19506357). This variant has not been reported in a large population database, indicating this variant is rare. We interpret this variant as likely pathogenic; however, the mode of inheritance was not clear in the cited literature.

Academic Unit of Haematology, University of Sheffield
No classification provided. Review status: no classification provided. Collection method: not provided. Allele origin: not provided. Not counted in ClinVar's aggregate classification.